The following is an entry in ClinVar:

ClinVar aggregate classification (germline): Likely benign (1 of 4 stars; one submission).

Allele frequency attached by ClinVar (database versions not stated): ExAC 0.01380.

Submission:

CeGaT Center for Human Genetics Tuebingen
Classification: Likely benign. Last evaluated: 2026-08-01. Review status: criteria provided, single submitter. Criteria: CeGaT Center For Human Genetics Tuebingen Variant Classification Criteria Version 2. Collection method: clinical testing. Allele origin: germline. Affected: yes. Observed: 14 variant alleles.
Comment: MUC5B: BP4, BP7

NM_002458.3(MUC5B):c.13923C>T (p.Ser4641=)

Gene: MUC5B (mucin 5B, oligomeric mucus/gel-forming; plus strand). Cytogenetic location: 11p15.5.
Variant type: single nucleotide variant.
Coding change: c.13923C>T on transcript NM_002458.3 (MANE Select); coding-DNA position 13923, C replaced by T.
Protein change: p.Ser4641=; no amino-acid change (serine 4641 retained).
Molecular consequence: synonymous variant.
Genome position (GRCh38, 1-based): chr11:1,250,803, C>T. VCF-style: chr11-1250803-C-T. GRCh37 (hg19) VCF-style: chr11-1272033-C-T.
Identifiers: ClinVar variation 2641304 (VCV002641304.24), dbSNP rs768217027, ClinGen allele CA5808480.